The following is an entry in ClinVar:

ClinVar aggregate classification (germline): Uncertain significance (1 of 4 stars; one submission).

Conditions:
Pierson syndrome. Also called: MICROCORIA-CONGENITAL NEPHROTIC SYNDROME. Identifiers: Orphanet 2670, MedGen C1836876, MONDO:0012184, OMIM 609049.
LAMB2-related infantile-onset nephrotic syndrome. Also called: NEPHROTIC SYNDROME, TYPE 5, WITHOUT OCULAR ABNORMALITIES; NEPHROTIC SYNDROME, TYPE 5, WITH OCULAR ABNORMALITIES; Nephrotic Syndrome, type 5. Identifiers: Orphanet 306507, MedGen C3280113, MONDO:0013621, OMIM 614199.

Allele frequency attached by ClinVar (database versions not stated): TOPMed below 0.00001; gnomAD 0.00001.

Submission:

Labcorp Genetics (formerly Invitae), Labcorp
Classification: Uncertain significance for LAMB2-related infantile-onset nephrotic syndrome; Pierson syndrome. Last evaluated: 2021-12-02. Review status: criteria provided, single submitter. Criteria: Invitae Variant Classification Sherloc (09022015). Collection method: clinical testing. Allele origin: germline.
Comment: This variant is not present in population databases (gnomAD no frequency). In summary, the available evidence is currently insufficient to determine the role of this variant in disease. Therefore, it has been classified as a Variant of Uncertain Significance. Algorithms developed to predict the effect of missense changes on protein structure and function (SIFT, PolyPhen-2, Align-GVGD) all suggest that this variant is likely to be disruptive. This variant has not been reported in the literature in individuals affected with LAMB2-related conditions. This sequence change replaces arginine, which is basic and polar, with histidine, which is basic and polar, at codon 626 of the LAMB2 protein (p.Arg626His).

NM_002292.4(LAMB2):c.1877G>A (p.Arg626His)

Gene: LAMB2 (laminin subunit beta 2; minus strand). Cytogenetic location: 3p21.31.
Variant type: single nucleotide variant.
Coding change: c.1877G>A on transcript NM_002292.4 (MANE Select); coding-DNA position 1877, G replaced by A.
Protein change: p.Arg626His; replaces arginine 626 with histidine.
Molecular consequence: missense variant.
Genome position (GRCh38, 1-based): chr3:49,128,674, C>T on the plus strand (G>A on the coding strand, the complement: LAMB2 is on the minus strand). VCF-style: chr3-49128674-C-T. GRCh37 (hg19) VCF-style: chr3-49166107-C-T.
Other names: short protein forms R626H.
Identifiers: ClinVar variation 1514133 (VCV001514133.6), dbSNP rs747329371, ClinGen allele CA74485362.
Genomic context (GRCh38, chr3:49,128,674, plus strand): 5'-CTCCCACACCCAGAGGTTCAGCCCCAGATTAGATAACAGGGTCTAACCTGGGGCTCTAAG[C>T]GCAGCAGCAGGTCATAGTCCATAGCCTTCGGCACAGAGGCCACCAGGAACTCCAGGGTCT-3'
Protein context (NP_002283.3, residues 616-636): PKAMDYDLLL[Arg626His]LEPQVPEQWA